The following is an entry in ClinVar:

NM_019594.4(LRRC8A):c.2423A>G (p.Glu808Gly)

Gene: LRRC8A (leucine rich repeat containing 8 VRAC subunit A; plus strand). Cytogenetic location: 9q34.11.
Variant type: single nucleotide variant.
Coding change: c.2423A>G on transcript NM_019594.4 (MANE Select); coding-DNA position 2423, A replaced by G.
Protein change: p.Glu808Gly; replaces glutamic acid 808 with glycine.
Molecular consequence: missense variant.
Genome position (GRCh38, 1-based): chr9:128,916,361, A>G. VCF-style: chr9-128916361-A-G. GRCh37 (hg19) VCF-style: chr9-131678640-A-G.
Other names: c.2423A>G, p.Glu808Gly (NM_001127244.2, NM_001127245.2); short protein forms E808G.
Identifiers: ClinVar variation 1381847 (VCV001381847.6), dbSNP rs747449292, ClinGen allele CA375093782.

ClinVar aggregate classification (germline): Uncertain significance (1 of 4 stars; one submission).

Submission:

Labcorp Genetics (formerly Invitae), Labcorp
Classification: Uncertain significance. Last evaluated: 2021-09-17. Review status: criteria provided, single submitter. Criteria: Invitae Variant Classification Sherloc (09022015). Collection method: clinical testing. Allele origin: germline.
Comment: This variant has not been reported in the literature in individuals affected with LRRC8A-related conditions. In summary, the available evidence is currently insufficient to determine the role of this variant in disease. Therefore, it has been classified as a Variant of Uncertain Significance. Algorithms developed to predict the effect of missense changes on protein structure and function are either unavailable or do not agree on the potential impact of this missense change (SIFT: "Deleterious"; PolyPhen-2: "Probably Damaging"; Align-GVGD: "Class C0"). This variant is not present in population databases (ExAC no frequency). This sequence change replaces glutamic acid with glycine at codon 808 of the LRRC8A protein (p.Glu808Gly). The glutamic acid residue is highly conserved and there is a moderate physicochemical difference between glutamic acid and glycine.